The following is an entry in ClinVar:

NM_000204.5(CFI):c.1085G>C (p.Gly362Ala)

Gene: CFI (complement factor I; minus strand). Cytogenetic location: 4q25.
Variant type: single nucleotide variant.
Coding change: c.1085G>C on transcript NM_000204.5 (MANE Select); coding-DNA position 1085, G replaced by C.
Protein change: p.Gly362Ala; replaces glycine 362 with alanine.
Molecular consequence: missense variant. On other transcripts: non-coding transcript variant (3).
Genome position (GRCh38, 1-based): chr4:109,749,281, C>G on the plus strand (G>C on the coding strand, the complement: CFI is on the minus strand). VCF-style: chr4-109749281-C-G. GRCh37 (hg19) VCF-style: chr4-110670437-C-G.
Other names: c.1109G>C, p.Gly370Ala (NM_001318057.2, NM_001375278.1); c.1064G>C, p.Gly355Ala (NM_001331035.2, NM_001375280.1, NM_001375282.1); c.1085G>C, p.Gly362Ala (NM_001375279.1, NM_001375281.1); c.1028G>C, p.Gly343Ala (NM_001375283.1); c.476G>C, p.Gly159Ala (NM_001375284.1); short protein forms G370A, G362A, G343A, G355A, G159A.
Identifiers: ClinVar variation 2415819 (VCV002415819.7), dbSNP rs200619905, ClinGen allele CA3042015.

ClinVar aggregate classification (germline): Uncertain significance. Review status: criteria provided, multiple submitters, no conflicts (2 of 4 stars). 2 submissions from 2 submitters: Uncertain significance (2). Last evaluated 2026-01-11.

Conditions:
CFI-related disorder. Also called: CFI-related condition; CFI-related disorders. Identifiers: MedGen CN239325.

Allele frequency attached by ClinVar (database versions not stated): ExAC 0.00001; gnomAD 0.00001; TOPMed 0.00002.
gnomAD v4.1: 34 of 1,614,026 alleles (0.0021%); highest among the groups gnomAD compares: Non-Finnish European, 0.0027%; no homozygotes.

Submissions (2):

Labcorp Genetics (formerly Invitae), Labcorp
Classification: Uncertain significance. Last evaluated: 2026-01-11. Review status: criteria provided, single submitter. Criteria: Invitae Variant Classification Sherloc (09022015). Collection method: clinical testing. Allele origin: germline.
Comment: This sequence change replaces glycine, which is neutral and non-polar, with alanine, which is neutral and non-polar, at codon 362 of the CFI protein (p.Gly362Ala). This variant is present in population databases (rs200619905, gnomAD 0.003%). This missense change has been observed in individual(s) with macular degeneration (PMID: 38852887). ClinVar contains an entry for this variant (Variation ID: 2415819). Invitae Evidence Modeling of protein sequence and biophysical properties (such as structural, functional, and spatial information, amino acid conservation, physicochemical variation, residue mobility, and thermodynamic stability) indicates that this missense variant is not expected to disrupt CFI protein function with a negative predictive value of 80%. Experimental studies have shown that this missense change affects CFI function (PMID: 32908800, 35531992). In summary, the available evidence is currently insufficient to determine the role of this variant in disease. Therefore, it has been classified as a Variant of Uncertain Significance.

Genomenon, Inc
Classification: Uncertain significance for CFI-related disorder. Last evaluated: 2025-09-26. Review status: criteria provided, single submitter. Criteria: Genomenon Sequence Variant Interpretation Standards - Updated. Collection method: curation. Allele origin: germline. Affected: no.
Comment: CFI p.Gly362Ala (c.1085G>C) is a missense variant that changes the amino acid at residue 362 from Glycine to Alanine. To our knowledge, this variant has not been reported in patients affected with CFI-related disorders in the published literature. Functional studies have been reported; however, the significance of the findings remain unclear (PMID:35531992;32510551;32908800). It is absent or not present at a significant frequency in gnomAD. In silico models agree that this variant is not damaging. In conclusion, we classify CFI p.Gly362Ala (c.1085G>C) as a variant of unknown significance.

Literature cited by the submitters: PubMed 38852887 (cited by Labcorp Genetics (formerly Invitae), Labcorp); PubMed 32908800 (cited by Labcorp Genetics (formerly Invitae), Labcorp); PubMed 35531992 (cited by Labcorp Genetics (formerly Invitae), Labcorp and Genomenon, Inc); 32510551 (cited by Genomenon, Inc); 32908800 (cited by Genomenon, Inc).